The following is an entry in ClinVar:

ClinVar aggregate classification (germline): Likely benign. Review status: criteria provided, single submitter (1 of 4 stars). 2 submissions from 2 submitters: Likely benign (1). 1 of the submissions does not count toward it. Last evaluated 2023-09-30.

Conditions:
RIN2-related disorder. Also called: RIN2-related condition.

Submissions (2):

Labcorp Genetics (formerly Invitae), Labcorp
Classification: Likely benign. Last evaluated: 2023-09-30. Review status: criteria provided, single submitter. Criteria: Invitae Variant Classification Sherloc (09022015). Collection method: clinical testing. Allele origin: germline.

PreventionGenetics, part of Exact Sciences
Classification: Likely benign for RIN2-related condition. Last evaluated: 2024-08-29. Review status: no assertion criteria provided. Collection method: clinical testing. Allele origin: germline. Not counted in ClinVar's aggregate classification.
Comment: This variant is classified as likely benign based on ACMG/AMP sequence variant interpretation guidelines (Richards et al. 2015 PMID: 25741868, with internal and published modifications).

NM_018993.4(RIN2):c.2121C>T (p.Ala707=)

Gene: RIN2 (Ras and Rab interactor 2; plus strand). Cytogenetic location: 20p11.23.
Variant type: single nucleotide variant.
Coding change: c.2121C>T on transcript NM_018993.4 (MANE Select); coding-DNA position 2121, C replaced by T.
Protein change: p.Ala707=; no amino-acid change (alanine 707 retained).
Molecular consequence: synonymous variant.
Genome position (GRCh38, 1-based): chr20:19,992,220, C>T. VCF-style: chr20-19992220-C-T. GRCh37 (hg19) VCF-style: chr20-19972864-C-T.
Other names: c.2268C>T (NM_001242581.1); c.2268C>T, p.Ala756= (NM_001242581.2); c.1503C>T, p.Ala501= (NM_001378238.1).
Identifiers: ClinVar variation 2764650 (VCV002764650.4), dbSNP rs2515610518, ClinGen allele CA509833496.